The following is an entry in ClinVar:

NM_182914.3(SYNE2):c.2472G>A (p.Gln824=)

Gene: SYNE2 (spectrin repeat containing nuclear envelope protein 2; plus strand). Cytogenetic location: 14q23.2.
Variant type: single nucleotide variant.
Coding change: c.2472G>A on transcript NM_182914.3 (MANE Select); coding-DNA position 2472, G replaced by A.
Protein change: p.Gln824=; no amino-acid change (glutamine 824 retained).
Molecular consequence: synonymous variant.
Genome position (GRCh38, 1-based): chr14:63,990,569, G>A. VCF-style: chr14-63990569-G-A. GRCh37 (hg19) VCF-style: chr14-64457287-G-A.
Other names: c.2472G>A, p.Gln824= (NM_015180.6).
Identifiers: ClinVar variation 949430 (VCV000949430.9), dbSNP rs760909392, ClinGen allele CA7219690.

ClinVar aggregate classification (germline): Uncertain significance. Review status: criteria provided, multiple submitters, no conflicts (2 of 4 stars). 2 submissions from 2 submitters: Uncertain significance (2). Last evaluated 2025-12-22.

Conditions:
Emery-Dreifuss muscular dystrophy 5, autosomal dominant (EDMD5). Also called: EMERY-DREIFUSS MUSCULAR DYSTROPHY 5. Identifiers: Orphanet 261, MedGen C2751805, MONDO:0013072, OMIM 612999.

Allele frequency attached by ClinVar (database versions not stated): ExAC 0.00001; gnomAD 0.00007; TOPMed 0.00019; 1000 Genomes Project 30x 0.00031.
gnomAD v4.1: 18 of 1,613,374 alleles (0.0011%); highest among the groups gnomAD compares: Admixed American, 0.022%; no homozygotes.

Submissions (2):

Labcorp Genetics (formerly Invitae), Labcorp
Classification: Uncertain significance for Emery-Dreifuss muscular dystrophy 5, autosomal dominant. Last evaluated: 2025-12-22. Review status: criteria provided, single submitter. Criteria: Invitae Variant Classification Sherloc (09022015). Collection method: clinical testing. Allele origin: germline.
Comment: This sequence change affects codon 824 of the SYNE2 mRNA. It is a 'silent' change, meaning that it does not change the encoded amino acid sequence of the SYNE2 protein. This variant also falls at the last nucleotide of exon 20, which is part of the consensus splice site for this exon. This variant is present in population databases (rs760909392, gnomAD 0.003%). This variant has not been reported in the literature in individuals affected with SYNE2-related conditions. ClinVar contains an entry for this variant (Variation ID: 949430). Variants that disrupt the consensus splice site are a relatively common cause of aberrant splicing (PMID: 17576681, 9536098). Algorithms developed to predict the effect of sequence changes on RNA splicing suggest that this variant may disrupt the consensus splice site. In summary, the available evidence is currently insufficient to determine the role of this variant in disease. Therefore, it has been classified as a Variant of Uncertain Significance.

Blueprint Genetics
Classification: Uncertain significance. Last evaluated: 2022-06-23. Review status: criteria provided, single submitter. Criteria: ACMG Guidelines, 2015. Collection method: clinical testing. Allele origin: germline.

Literature cited by the submitters: PubMed 17576681 (cited by Labcorp Genetics (formerly Invitae), Labcorp); PubMed 9536098 (cited by Labcorp Genetics (formerly Invitae), Labcorp).